The following is an entry in ClinVar:

ClinVar aggregate classification (germline): Likely benign. Review status: criteria provided, multiple submitters, no conflicts (2 of 4 stars). 2 submissions from 2 submitters: Likely benign (2). Last evaluated 2026-07-01.

Conditions:
Werner syndrome (WRN). Identifiers: Orphanet 902, MedGen C0043119, MONDO:0010196, OMIM 277700.

Allele frequency attached by ClinVar (database versions not stated): gnomAD 0.00002; gnomAD exomes 0.00006 and 0.00011; TOPMed 0.00007; ExAC 0.00008.
gnomAD v4.1: 36 of 1,613,754 alleles (0.0022%); highest among the groups gnomAD compares: Admixed American, 0.057%; no homozygotes.

Submissions (2):

CeGaT Center for Human Genetics Tuebingen
Classification: Likely benign. Last evaluated: 2026-07-01. Review status: criteria provided, single submitter. Criteria: CeGaT Center For Human Genetics Tuebingen Variant Classification Criteria Version 2. Collection method: clinical testing. Allele origin: germline. Affected: yes. Observed: 1 variant allele.
Comment: WRN: BP4, BP7

Labcorp Genetics (formerly Invitae), Labcorp
Classification: Likely benign for Werner syndrome. Last evaluated: 2025-10-22. Review status: criteria provided, single submitter. Criteria: Invitae Variant Classification Sherloc (09022015). Collection method: clinical testing. Allele origin: germline.

NM_000553.6(WRN):c.42A>G (p.Lys14=)

Gene: WRN (WRN RecQ like helicase; plus strand). Cytogenetic location: 8p12.
Variant type: single nucleotide variant.
Coding change: c.42A>G on transcript NM_000553.6 (MANE Select); coding-DNA position 42, A replaced by G.
Protein change: p.Lys14=; no amino-acid change (lysine 14 retained).
Molecular consequence: synonymous variant.
Genome position (GRCh38, 1-based): chr8:31,058,489, A>G. VCF-style: chr8-31058489-A-G. GRCh37 (hg19) VCF-style: chr8-30916005-A-G.
Identifiers: ClinVar variation 458483 (VCV000458483.11), dbSNP rs3087420, ClinGen allele CA4703960.
Genomic context (GRCh38, chr8:31,058,489, plus strand): 5'-CAAATAGGACATTTCAAAGATGAGTGAAAAAAAATTGGAAACAACTGCACAGCAGCGGAA[A>G]TGTCCTGAATGGATGAATGTGCAGAATAAAAGATGTGCTGTAGAAGAAAGAAAGGTATGT-3'
Protein context (NP_000544.2, residues 4-24): KKLETTAQQR[Lys14=]CPEWMNVQNK